The following is an entry in ClinVar:

NM_016955.4(SEPSECS):c.425T>C (p.Met142Thr)

Gene: SEPSECS (Sep (O-phosphoserine) tRNA:Sec (selenocysteine) tRNA synthase; minus strand). Cytogenetic location: 4p15.2.
Variant type: single nucleotide variant.
Coding change: c.425T>C on transcript NM_016955.4 (MANE Select); coding-DNA position 425, T replaced by C.
Protein change: p.Met142Thr; replaces methionine 142 with threonine.
Molecular consequence: missense variant.
Genome position (GRCh38, 1-based): chr4:25,156,159, A>G on the plus strand (T>C on the coding strand, the complement: SEPSECS is on the minus strand). VCF-style: chr4-25156159-A-G. GRCh37 (hg19) VCF-style: chr4-25157781-A-G.
Other names: c.680T>C, p.Met227Thr (NM_001410714.1); c.425T>C, p.Met142Thr (NM_153825.2); c.425T>C (NM_016955.3); short protein forms M227T, M142T.
Identifiers: ClinVar variation 2145430 (VCV002145430.3), dbSNP rs762928872, ClinGen allele CA2877434.

ClinVar aggregate classification (germline): Uncertain significance. Review status: criteria provided, multiple submitters, no conflicts (2 of 4 stars). 2 submissions from 2 submitters: Uncertain significance (2). Last evaluated 2024-12-05.

Conditions:
Inborn genetic diseases. Identifiers: MedGen C0950123, MeSH D030342.

Allele frequency attached by ClinVar (database versions not stated): gnomAD 0.00001; TOPMed 0.00001; gnomAD exomes 0.00002; ExAC 0.00003.

Submissions (2):

Ambry Genetics
Classification: Uncertain significance for Inborn genetic diseases. Last evaluated: 2024-12-05. Review status: criteria provided, single submitter. Criteria: Ambry Variant Classification Scheme 2023. Collection method: clinical testing. Allele origin: germline.

Labcorp Genetics (formerly Invitae), Labcorp
Classification: Uncertain significance. Last evaluated: 2021-12-03. Review status: criteria provided, single submitter. Criteria: Invitae Variant Classification Sherloc (09022015). Collection method: clinical testing. Allele origin: germline.
Comment: This sequence change replaces methionine, which is neutral and non-polar, with threonine, which is neutral and polar, at codon 142 of the SEPSECS protein (p.Met142Thr). This variant is present in population databases (rs762928872, gnomAD 0.007%). This variant has not been reported in the literature in individuals affected with SEPSECS-related conditions. Algorithms developed to predict the effect of missense changes on protein structure and function (SIFT, PolyPhen-2, Align-GVGD) all suggest that this variant is likely to be disruptive. In summary, the available evidence is currently insufficient to determine the role of this variant in disease. Therefore, it has been classified as a Variant of Uncertain Significance.